The following is an entry in ClinVar:

NM_000552.5(VWF):c.7288-1_7289delinsTAA

Gene: VWF (von Willebrand factor; minus strand). Cytogenetic location: 12p13.31.
Variant type: Indel.
Coding change: c.7288-1_7289delinsTAA on transcript NM_000552.5 (MANE Select); the canonical splice acceptor site of the intron before coding-DNA position 7288 through coding-DNA position 7289, GGT replaced by TAA.
Molecular consequence: splice acceptor variant.
Genome position (GRCh38, 1-based): chr12:5,976,259-5,976,261, ACC replaced by TTA on the plus strand (GGT replaced by TAA on the coding strand, the reverse complement: VWF is on the minus strand). VCF-style: chr12-5976259-ACC-TTA. GRCh37 (hg19) VCF-style: chr12-6085425-ACC-TTA.
Identifiers: ClinVar variation 3572190 (VCV003572190.1).

ClinVar aggregate classification (germline): Uncertain significance (1 of 4 stars; one submission).

Submission:

Quest Diagnostics Nichols Institute San Juan Capistrano
Classification: Uncertain significance. Last evaluated: 2024-02-08. Review status: criteria provided, single submitter. Criteria: Quest Diagnostics criteria. Collection method: clinical testing. Allele origin: unknown.
Comment: The VWF c.7288-1_7289delinsTAA variant disrupts a canonical splice-acceptor site and is predicted to result in an in-frame deletion of the exon. This variant has not been reported in individuals with VWF-related conditions in the published literature. This variant has not been reported in large, multi-ethnic general populations (Genome Aggregation Database). Based on the available information, we are unable to determine the clinical significance of this variant.